The following is an entry in ClinVar:

NM_004369.4(COL6A3):c.6211-11T>A

Gene: COL6A3 (collagen type VI alpha 3 chain; minus strand). Cytogenetic location: 2q37.3.
Variant type: single nucleotide variant.
Coding change: c.6211-11T>A on transcript NM_004369.4 (MANE Select); 11 bases into the intron before coding-DNA position 6211, T replaced by A.
Molecular consequence: intron variant.
Genome position (GRCh38, 1-based): chr2:237,360,170, A>T on the plus strand (T>A on the coding strand, the complement: COL6A3 is on the minus strand). VCF-style: chr2-237360170-A-T. GRCh37 (hg19) VCF-style: chr2-238268813-A-T.
Other names: c.4390-11T>A (NM_057166.5); c.5593-11T>A (NM_057167.4).
Identifiers: ClinVar variation 2034099 (VCV002034099.4), dbSNP rs2469862136, ClinGen allele CA2580066087.

ClinVar aggregate classification (germline): Uncertain significance (1 of 4 stars; one submission).

Conditions:
Bethlem myopathy 1A. Also called: MYOPATHY, BENIGN CONGENITAL, WITH CONTRACTURES; Bethlem myopathy 1; Bethlem Muscular Dystrophy. Identifiers: Orphanet 610, MedGen CN029274, MONDO:0024530, OMIM 158810.

Submission:

Labcorp Genetics (formerly Invitae), Labcorp
Classification: Uncertain significance for Bethlem myopathy 1A. Last evaluated: 2022-10-04. Review status: criteria provided, single submitter. Criteria: Invitae Variant Classification Sherloc (09022015). Collection method: clinical testing. Allele origin: germline.
Comment: In summary, the available evidence is currently insufficient to determine the role of this variant in disease. Therefore, it has been classified as a Variant of Uncertain Significance. Algorithms developed to predict the effect of sequence changes on RNA splicing suggest that this variant may create or strengthen a splice site. This variant has not been reported in the literature in individuals affected with COL6A3-related conditions. This variant is not present in population databases (gnomAD no frequency). This sequence change falls in intron 16 of the COL6A3 gene. It does not directly change the encoded amino acid sequence of the COL6A3 protein.